The following is an entry in ClinVar:

NM_000257.4(MYH7):c.2987A>G (p.Lys996Arg)

Gene: MYH7 (myosin heavy chain 7; minus strand). Cytogenetic location: 14q11.2.
Variant type: single nucleotide variant.
Coding change: c.2987A>G on transcript NM_000257.4 (MANE Select); coding-DNA position 2987, A replaced by G.
Protein change: p.Lys996Arg; replaces lysine 996 with arginine.
Molecular consequence: missense variant.
Genome position (GRCh38, 1-based): chr14:23,423,659, T>C on the plus strand (A>G on the coding strand, the complement: MYH7 is on the minus strand). VCF-style: chr14-23423659-T-C. GRCh37 (hg19) VCF-style: chr14-23892868-T-C.
Other names: c.2987A>G, p.Lys996Arg (NM_001407004.1); short protein forms K996R.
Identifiers: ClinVar variation 2773941 (VCV002773941.2), dbSNP rs1437574157, ClinGen allele CA389046319.
Genomic context (GRCh38, chr14:23,423,659, plus strand): 5'-TTGTCCTCCTCGGCCTGAAGGTCATCCAGAGCCTGTTGGTGGGCCTCTTGCAGAGCTTTC[T>C]TCTCCTTGGTCAGCTTGGCAATGATCTCATCCAGCCCAGCCATCTCCTCTGTCAGGTTTT-3'
Protein context (NP_000248.2, residues 986-1006): DEIIAKLTKE[Lys996Arg]KALQEAHQQA

ClinVar aggregate classification (germline): Uncertain significance (1 of 4 stars; one submission).

Conditions:
Cardiomyopathy (CMYO). Also called: Cardiomyopathies. Identifiers: Orphanet 167848, MedGen C0878544, MONDO:0004994, HP:0001638. Inheritance: Various modes of inheritance.

Allele frequency attached by ClinVar (database versions not stated): TOPMed below 0.00001; gnomAD 0.00001.
gnomAD v4.1: 1 of 1,614,038 alleles (0.000062%); highest among the groups gnomAD compares: Non-Finnish European, 0.000085%; no homozygotes.

Submission:

Color Diagnostics, LLC DBA Color Health
Classification: Uncertain significance for Cardiomyopathy. Last evaluated: 2024-03-07. Review status: criteria provided, single submitter. Criteria: ACMG Guidelines, 2015. Collection method: clinical testing. Allele origin: germline.
Comment: This missense variant replaces lysine with arginine at codon 996 of the MYH7 protein. Computational prediction is inconclusive regarding the impact of this variant on protein structure and function (internally defined REVEL score threshold 0.5 < inconclusive < 0.7, PMID: 27666373). To our knowledge, functional studies have not been reported for this variant. This variant has not been reported in individuals affected with cardiovascular disorders in the literature. This variant has not been identified in the general population by the Genome Aggregation Database (gnomAD). The available evidence is insufficient to determine the role of this variant in disease conclusively. Therefore, this variant is classified as a Variant of Uncertain Significance.